The following is an entry in ClinVar:

NM_000182.5(HADHA):c.1689+2T>C

Genes: HADHA (hydroxyacyl-CoA dehydrogenase trifunctional multienzyme complex subunit alpha; minus strand), GAREM2 (GRB2 associated regulator of MAPK1 subtype 2; plus strand). Cytogenetic location: 2p23.3.
Variant type: single nucleotide variant.
Coding change: c.1689+2T>C on transcript NM_000182.5 (MANE Select); the canonical splice donor site of the intron after coding-DNA position 1689, T replaced by C.
Molecular consequence: splice donor variant.
Genome position (GRCh38, 1-based): chr2:26,194,568, A>G on the plus strand (T>C on the coding strand, the complement: HADHA is on the minus strand). VCF-style: chr2-26194568-A-G. GRCh37 (hg19) VCF-style: chr2-26417437-A-G.
Identifiers: ClinVar variation 2954233 (VCV002954233.4), dbSNP rs1574602991, ClinGen allele CA346118844.

ClinVar aggregate classification (germline): Pathogenic/Likely pathogenic. Review status: criteria provided, multiple submitters, no conflicts (2 of 4 stars). 2 submissions from 2 submitters: Pathogenic (1); Likely pathogenic (1). Last evaluated 2024-02-04.

Conditions:
Mitochondrial trifunctional protein deficiency. Identifiers: Orphanet 746, MedGen C1969443, MONDO:0012172.
Long chain 3-hydroxyacyl-CoA dehydrogenase deficiency. Also called: Deficiency of long-chain 3-hydroxyacyl-coenzyme A dehydrogenase; LCHAD Deficiency. Identifiers: Orphanet 5, MedGen C3711645, MONDO:0012173, OMIM 609016.

Allele frequency attached by ClinVar (database versions not stated): gnomAD exomes below 0.00001.
gnomAD v4.1: 1 of 1,592,926 alleles (0.000063%); highest among the groups gnomAD compares: Non-Finnish European, 0.000086%; no homozygotes.

Submissions (2):

Baylor Genetics
Classification: Likely pathogenic for Long chain 3-hydroxyacyl-CoA dehydrogenase deficiency. Last evaluated: 2024-02-04. Review status: criteria provided, single submitter. Criteria: ACMG Guidelines, 2015. Collection method: clinical testing. Allele origin: unknown.

Labcorp Genetics (formerly Invitae), Labcorp
Classification: Pathogenic for Mitochondrial trifunctional protein deficiency; Long chain 3-hydroxyacyl-CoA dehydrogenase deficiency. Last evaluated: 2023-11-25. Review status: criteria provided, single submitter. Criteria: Invitae Variant Classification Sherloc (09022015). Collection method: clinical testing. Allele origin: germline.
Comment: This sequence change affects a donor splice site in intron 16 of the HADHA gene. RNA analysis indicates that disruption of this splice site induces altered splicing and likely results in a shortened protein product. This variant is not present in population databases (gnomAD no frequency). Disruption of this splice site has been observed in individual(s) with clinical features of long-chain 3-hydroxyacyl coenzyme A dehydrogenase deficiency (PMID: 27014569). In at least one individual the data is consistent with being in trans (on the opposite chromosome) from a pathogenic variant. It has also been observed to segregate with disease in related individuals. Studies have shown that disruption of this splice site results in skipping of skipping of exon 16, but is expected to preserve the integrity of the reading-frame (PMID: 17143551). For these reasons, this variant has been classified as Pathogenic.

Literature cited by the submitters: PubMed 27014569 (cited by Labcorp Genetics (formerly Invitae), Labcorp); PubMed 17143551 (cited by Labcorp Genetics (formerly Invitae), Labcorp).